The following is an entry in ClinVar:

NM_001040142.2(SCN2A):c.4458A>C (p.Gln1486His)

Gene: SCN2A (sodium voltage-gated channel alpha subunit 2; plus strand). Cytogenetic location: 2q24.3.
Variant type: single nucleotide variant.
Coding change: c.4458A>C on transcript NM_001040142.2 (MANE Select); coding-DNA position 4458, A replaced by C.
Protein change: p.Gln1486His; replaces glutamine 1486 with histidine.
Molecular consequence: missense variant.
Genome position (GRCh38, 1-based): chr2:165,381,104, A>C. VCF-style: chr2-165381104-A-C. GRCh37 (hg19) VCF-style: chr2-166237614-A-C.
Other names: c.4458A>C, p.Gln1486His (NM_001040143.2, NM_001371246.1, NM_001371247.1 and 1 more transcripts); short protein forms Q1486H.
Identifiers: ClinVar variation 3906439 (VCV003906439.1).

ClinVar aggregate classification (germline): Uncertain significance (1 of 4 stars; one submission).

Submission:

GeneDx
Classification: Uncertain significance. Last evaluated: 2024-12-23. Review status: criteria provided, single submitter. Criteria: GeneDx Variant Classification Process June 2021. Collection method: clinical testing. Allele origin: germline. Affected: yes.
Comment: Has not been previously published as pathogenic or benign to our knowledge; Not observed at significant frequency in large population cohorts (gnomAD); In silico analysis supports that this missense variant has a deleterious effect on protein structure/function; This substitution is predicted to be in the cytoplasmic loop between the third and fourth homologous domains